The following is an entry in ClinVar:

NM_177438.3(DICER1):c.1457A>G (p.Lys486Arg)

Gene: DICER1 (dicer 1, ribonuclease III; minus strand). Cytogenetic location: 14q32.13.
Variant type: single nucleotide variant.
Coding change: c.1457A>G on transcript NM_177438.3 (MANE Select); coding-DNA position 1457, A replaced by G.
Protein change: p.Lys486Arg; replaces lysine 486 with arginine.
Molecular consequence: missense variant. On other transcripts: non-coding transcript variant (6), 5 prime UTR variant (1).
Genome position (GRCh38, 1-based): chr14:95,117,674, T>C on the plus strand (A>G on the coding strand, the complement: DICER1 is on the minus strand). VCF-style: chr14-95117674-T-C. GRCh37 (hg19) VCF-style: chr14-95584011-T-C.
Other names: c.1052A>G, p.Lys351Arg (NM_001395698.1, NM_001395687.1, NM_001395688.1 and 3 more transcripts); c.1457A>G, p.Lys486Arg (NM_030621.4, NM_001195573.1, NM_001271282.3 and 12 more transcripts); c.1175A>G, p.Lys392Arg (NM_001395686.1); c.890A>G, p.Lys297Arg (NM_001395691.1); c.-112A>G (NM_001395697.1); short protein forms K486R, K297R, K351R, K392R.
Identifiers: ClinVar variation 4746787 (VCV004746787.1).

ClinVar aggregate classification (germline): Uncertain significance (1 of 4 stars; one submission).

Conditions:
DICER1-related tumor predisposition. Also called: DICER1-related pleuropulmonary blastoma cancer predisposition syndrome; DICER1 syndrome. Identifiers: Orphanet 284343, MedGen C3839822, MONDO:0100216.

Submission:

Labcorp Genetics (formerly Invitae), Labcorp
Classification: Uncertain significance for DICER1-related tumor predisposition. Last evaluated: 2025-09-01. Review status: criteria provided, single submitter. Criteria: Invitae Variant Classification Sherloc (09022015). Collection method: clinical testing. Allele origin: germline.
Comment: This sequence change replaces lysine, which is basic and polar, with arginine, which is basic and polar, at codon 486 of the DICER1 protein (p.Lys486Arg). This variant is not present in population databases (gnomAD no frequency). This variant has not been reported in the literature in individuals affected with DICER1-related conditions. Invitae Evidence Modeling of protein sequence and biophysical properties (such as structural, functional, and spatial information, amino acid conservation, physicochemical variation, residue mobility, and thermodynamic stability) indicates that this missense variant is not expected to disrupt DICER1 protein function with a negative predictive value of 95%. In summary, the available evidence is currently insufficient to determine the role of this variant in disease. Therefore, it has been classified as a Variant of Uncertain Significance.